The following is an entry in ClinVar:

ClinVar aggregate classification (germline): Pathogenic. Review status: criteria provided, multiple submitters, no conflicts (2 of 4 stars). 2 submissions from 2 submitters: Pathogenic (2). Last evaluated 2015-06-25.

Conditions:
X-linked hydrocephalus syndrome (HYCX). Also called: HYDROCEPHALUS, CONGENITAL, X-LINKED; X-Linked Hydrocephalus with Stenosis of the Aqueduct of Sylvius; AQUEDUCTAL STENOSIS, X-LINKED; X-Linked Hydrocephalus with Stenosis of the Aqueduct of Sylvius (HSAS); X-linked hydrocephalus. Identifiers: Orphanet 2182, MedGen C0265216, MONDO:0010611, OMIM 307000.

Submissions (2):

GeneDx
Classification: Pathogenic. Last evaluated: 2015-06-25. Review status: criteria provided, single submitter. Criteria: GeneDx Variant Classification (06012015). Collection method: clinical testing. Allele origin: germline. Affected: yes.
Comment: The c.1993+1 G>A splice site variant in the L1CAM gene has been previously reported in association with X-linked hydrocephalus (Vos et al., 2010). This variant destroys the canonical splice donor site in intron 15, and is expected to cause abnormal gene splicing. Therefore, we interpret this variant as pathogenic.

Laboratoire de Génétique Moléculaire, CHU Bordeaux
Classification: Pathogenic for X-linked hydrocephalus syndrome. Review status: criteria provided, single submitter. Criteria: ACMG Guidelines, 2015. Collection method: clinical testing. Allele origin: germline. Affected: yes.

NM_001278116.2(L1CAM):c.1939+1G>A

Gene: L1CAM (L1 cell adhesion molecule; minus strand). Cytogenetic location: Xq28.
Variant type: single nucleotide variant.
Coding change: c.1939+1G>A on transcript NM_001278116.2 (MANE Select); the canonical splice donor site of the intron after coding-DNA position 1939, G replaced by A.
Molecular consequence: splice donor variant.
Genome position (GRCh38, 1-based): chrX:153,867,799, C>T on the plus strand (G>A on the coding strand, the complement: L1CAM is on the minus strand). VCF-style: chrX-153867799-C-T. GRCh37 (hg19) VCF-style: chrX-153133254-C-T.
Other names: c.1924+1G>A (NM_001143963.2); c.1939+1G>A (NM_024003.3, NM_000425.5).
Identifiers: ClinVar variation 419337 (VCV000419337.3), dbSNP rs1064793801, ClinGen allele CA16621231.